The following is an entry in ClinVar:

NM_000203.5(IDUA):c.203G>A (p.Trp68Ter)

Genes: IDUA (alpha-L-iduronidase; plus strand), SLC26A1 (solute carrier family 26 member 1; minus strand). Cytogenetic location: 4p16.3.
Variant type: single nucleotide variant.
Coding change: c.203G>A on transcript NM_000203.5 (MANE Select); coding-DNA position 203, G replaced by A.
Protein change: p.Trp68Ter; replaces tryptophan 68 with a stop codon.
Molecular consequence: nonsense. On other transcripts: 3 prime UTR variant (2), non-coding transcript variant (1), intron variant (1).
Genome position (GRCh38, 1-based): chr4:987,853, G>A. VCF-style: chr4-987853-G-A. GRCh37 (hg19) VCF-style: chr4-981641-G-A.
Other names: c.*980C>T (NM_022042.4, NM_213613.4); c.576+3275C>T (NM_134425.4); c.203G>A (NM_000203.4); short protein forms W68*.
Identifiers: ClinVar variation 2734634 (VCV002734634.5), dbSNP rs754212720, ClinGen allele CA2801137.

ClinVar aggregate classification (germline): Pathogenic. Review status: criteria provided, multiple submitters, no conflicts (2 of 4 stars). 3 submissions from 3 submitters: Pathogenic (3). Last evaluated 2025-09-05.

Conditions:
Mucopolysaccharidosis type 1. Also called: IDUA deficiency; MPS I; Mucopolysaccharidosis Type I. Identifiers: Orphanet 579, MedGen C0023786, MONDO:0001586.

Allele frequency attached by ClinVar (database versions not stated): gnomAD exomes below 0.00001; ExAC 0.00001.
gnomAD v4.1: 1 of 1,612,480 alleles (0.000062%); highest among the groups gnomAD compares: South Asian, 0.0011%; no homozygotes.

Submissions (3):

Natera, Inc.
Classification: Pathogenic for Mucopolysaccharidosis type I. Last evaluated: 2025-09-05. Review status: criteria provided, single submitter. Criteria: Natera Variant Classification Schema (03/2026). Collection method: clinical testing. Allele origin: germline.
Comment: The c.203G>A variant in IDUA is a nonsense variant predicted to introduce a stop codon at amino acid 68. This variant is expected to result in nonsense mediated decay, truncation, or a dysfunctional protein product. This variant is rare in the general population with a frequency below the threshold expected for the associated phenotype(s). This variant has been observed in one or more individuals affected with the associated recessive disease, as either homozygous or compound heterozygous with a second variant (PMID: 33301762, 24798265). Given the available evidence, this variant is classified as Pathogenic.

Women's Health and Genetics/Laboratory Corporation of America, LabCorp
Classification: Pathogenic for Mucopolysaccharidosis type 1. Last evaluated: 2024-10-28. Review status: criteria provided, single submitter. Criteria: LabCorp Variant Classification Summary - May 2015. Collection method: clinical testing. Allele origin: germline.
Comment: Variant summary: IDUA c.203G>A (p.Trp68X) results in a premature termination codon, predicted to cause a truncation of the encoded protein or absence of the protein due to nonsense mediated decay, which are commonly known mechanisms for disease. The variant allele was found at a frequency of 4.1e-06 in 243550 control chromosomes (gnomAD). c.203G>A has been reported in the literature in individuals affected with Mucopolysaccharidosis Type 1 (e.g. Thomas_2021). At least one publication reported a severely reduced enzymatic activity in a sample derived from a homozygous patient (Thomas_2021). ClinVar contains an entry for this variant (Variation ID: 2734634). Based on the evidence outlined above, the variant was classified as pathogenic.

Labcorp Genetics (formerly Invitae), Labcorp
Classification: Pathogenic for Mucopolysaccharidosis type 1. Last evaluated: 2023-10-26. Review status: criteria provided, single submitter. Criteria: Invitae Variant Classification Sherloc (09022015). Collection method: clinical testing. Allele origin: germline.
Comment: This sequence change creates a premature translational stop signal (p.Trp68*) in the IDUA gene. It is expected to result in an absent or disrupted protein product. Loss-of-function variants in IDUA are known to be pathogenic (PMID: 11735025, 21480867). This variant is present in population databases (rs754212720, gnomAD 0.003%). This premature translational stop signal has been observed in individual(s) with mucopolysaccharidosis type I (PMID: 24798265). For these reasons, this variant has been classified as Pathogenic.

Literature cited by the submitters: PubMed 33301762 (cited by Natera, Inc. and Women's Health and Genetics/Laboratory Corporation of America, LabCorp); PubMed 24798265 (cited by Natera, Inc. and Labcorp Genetics (formerly Invitae), Labcorp); PubMed 11735025 (cited by Labcorp Genetics (formerly Invitae), Labcorp); PubMed 21480867 (cited by Labcorp Genetics (formerly Invitae), Labcorp).